The following is an entry in ClinVar:

ClinVar aggregate classification (germline): Likely benign (1 of 4 stars; one submission).

Conditions:
PDE1C-related disorder. Also called: PDE1C-related condition.

gnomAD v4.1: 79 of 1,613,956 alleles (0.0049%); highest among the groups gnomAD compares: African/African-American, 0.1%; no homozygotes.

Submission:

PreventionGenetics, part of Exact Sciences
Classification: Likely benign for PDE1C-related condition. Last evaluated: 2025-12-18. Review status: criteria provided, single submitter. Criteria: ACMG Guidelines, 2015. Collection method: clinical testing. Allele origin: germline.
Comment: This variant is classified as likely benign based on ACMG/AMP sequence variant interpretation guidelines (Richards et al. 2015 PMID: 25741868, with internal and published modifications).

NM_001191057.4(PDE1C):c.1679C>A (p.Ala560Glu)

Gene: PDE1C (phosphodiesterase 1C; minus strand). Cytogenetic location: 7p14.3.
Variant type: single nucleotide variant.
Coding change: c.1679C>A on transcript NM_001191057.4 (MANE Select); coding-DNA position 1679, C replaced by A.
Protein change: p.Ala560Glu; replaces alanine 560 with glutamic acid.
Molecular consequence: missense variant.
Genome position (GRCh38, 1-based): chr7:31,816,058, G>T on the plus strand (C>A on the coding strand, the complement: PDE1C is on the minus strand). VCF-style: chr7-31816058-G-T. GRCh37 (hg19) VCF-style: chr7-31855672-G-T.
Other names: c.1679C>A, p.Ala560Glu (NM_001191056.3, NM_001191059.4, NM_001322055.2 and 3 more transcripts); c.1859C>A, p.Ala620Glu (NM_001191058.4, NM_001322058.2); c.2084C>A, p.Ala695Glu (NM_001322059.2); short protein forms A620E, A695E, A560E.
Identifiers: ClinVar variation 4977823 (VCV004977823.1).